The following is an entry in ClinVar:

ClinVar aggregate classification (germline): Likely benign. Review status: criteria provided, multiple submitters, no conflicts (2 of 4 stars). 2 submissions from 2 submitters: Likely benign (2). Last evaluated 2018-01-13.

Conditions:
Epidermolysis bullosa dystrophica. Also called: Dystrophic epidermolysis bullosa, Hallopeau-Siemens type (formerly); Dystrophic epidermolysis bullosa. Identifiers: Orphanet 303, MedGen C0079294, MONDO:0006543.

Allele frequency attached by ClinVar (database versions not stated): 1000 Genomes Project 0.00100; TOPMed 0.00130; 1000 Genomes Project 30x 0.00141.
gnomAD v4.1: 1,539 of 847,306 alleles (0.18%); highest among the groups gnomAD compares: Non-Finnish European, 0.23%; 5 homozygotes.

Submissions (2):

Illumina Laboratory Services, Illumina
Classification: Likely benign for Dystrophic epidermolysis bullosa. Last evaluated: 2018-01-13. Review status: criteria provided, single submitter. Criteria: ICSL Variant Classification Criteria 13 December 2019. Collection method: clinical testing. Allele origin: germline.
Comment: This variant was observed in the ICSL laboratory as part of a predisposition screen in an ostensibly healthy population. It had not been previously curated by ICSL or reported in the Human Gene Mutation Database (HGMD: prior to June 1st, 2018), and was therefore a candidate for classification through an automated scoring system. Utilizing variant allele frequency, disease prevalence and penetrance estimates, and inheritance mode, an automated score was calculated to assess if this variant is too frequent to cause the disease. Based on the score and internal cut-off values, a variant classified as likely benign is not then subjected to further curation. The score for this variant resulted in a classification of likely benign for this disease.

Breakthrough Genomics
Classification: Likely benign. Review status: criteria provided, single submitter. Criteria: ACMG Guidelines, 2015. Collection method: not provided. Allele origin: germline. Inheritance: Autosomal recessive inheritance. Affected: yes.

NM_000094.4(COL7A1):c.*162C>T

Gene: COL7A1 (collagen type VII alpha 1 chain; minus strand). Cytogenetic location: 3p21.31.
Variant type: single nucleotide variant.
Coding change: c.*162C>T on transcript NM_000094.4 (MANE Select); 162 bases downstream of the stop codon, C replaced by T.
Molecular consequence: 3 prime UTR variant.
Genome position (GRCh38, 1-based): chr3:48,564,244, G>A on the plus strand (C>T on the coding strand, the complement: COL7A1 is on the minus strand). VCF-style: chr3-48564244-G-A. GRCh37 (hg19) VCF-style: chr3-48601677-G-A.
Identifiers: ClinVar variation 899445 (VCV000899445.5), dbSNP rs545650545, ClinGen allele CA73969559.